The following is an entry in ClinVar:

NM_006005.3(WFS1):c.693G>A (p.Glu231=)

Gene: WFS1 (wolframin ER transmembrane glycoprotein; plus strand). Cytogenetic location: 4p16.1.
Variant type: single nucleotide variant.
Coding change: c.693G>A on transcript NM_006005.3 (MANE Select); coding-DNA position 693, G replaced by A.
Protein change: p.Glu231=; no amino-acid change (glutamic acid 231 retained).
Molecular consequence: synonymous variant.
Genome position (GRCh38, 1-based): chr4:6,291,978, G>A. VCF-style: chr4-6291978-G-A. GRCh37 (hg19) VCF-style: chr4-6293705-G-A.
Other names: c.693G>A, p.Glu231= (NM_001145853.1).
Identifiers: ClinVar variation 1316628 (VCV001316628.8), dbSNP rs149479911, ClinGen allele CA2838996.

ClinVar aggregate classification (germline): Conflicting classifications of pathogenicity. Review status: criteria provided, conflicting classifications (1 of 4 stars). 2 submissions from 2 submitters: Uncertain significance (1); Likely benign (1). Last evaluated 2025-03-17.

Allele frequency attached by ClinVar (database versions not stated): gnomAD exomes 0.00001; ExAC 0.00002; ESP Exome Variant Server 0.00015.
gnomAD v4.1: 3 of 1,609,018 alleles (0.00019%); highest among the groups gnomAD compares: Non-Finnish European, 0.00025%; no homozygotes.

Submissions (2):

Labcorp Genetics (formerly Invitae), Labcorp
Classification: Likely benign. Last evaluated: 2025-03-17. Review status: criteria provided, single submitter. Criteria: Invitae Variant Classification Sherloc (09022015). Collection method: clinical testing. Allele origin: germline.

GeneDx
Classification: Uncertain significance. Last evaluated: 2019-12-16. Review status: criteria provided, single submitter. Criteria: GeneDx Variant Classification Process June 2021. Collection method: clinical testing. Allele origin: germline. Affected: yes.
Comment: Not observed at a significant frequency in large population cohorts (Lek et al., 2016); In silico analysis, which includes splice predictors and evolutionary conservation, supports that this variant does not alter protein structure/function; Has not been previously published as pathogenic or benign to our knowledge